The following is an entry in ClinVar:

ClinVar aggregate classification (germline): Uncertain significance (1 of 4 stars; one submission).

Submission:

Labcorp Genetics (formerly Invitae), Labcorp
Classification: Uncertain significance. Last evaluated: 2024-05-15. Review status: criteria provided, single submitter. Criteria: Invitae Variant Classification Sherloc (09022015). Collection method: clinical testing. Allele origin: germline.
Comment: This sequence change replaces alanine, which is neutral and non-polar, with serine, which is neutral and polar, at codon 167 of the VCAN protein (p.Ala167Ser). This variant is not present in population databases (gnomAD no frequency). This variant has not been reported in the literature in individuals affected with VCAN-related conditions. Algorithms developed to predict the effect of missense changes on protein structure and function output the following: SIFT: "Not Available"; PolyPhen-2: "Benign"; Align-GVGD: "Not Available". The serine amino acid residue is found in multiple mammalian species, which suggests that this missense change does not adversely affect protein function. In summary, the available evidence is currently insufficient to determine the role of this variant in disease. Therefore, it has been classified as a Variant of Uncertain Significance.

NM_004385.5(VCAN):c.499G>T (p.Ala167Ser)

Gene: VCAN (versican; plus strand). Cytogenetic location: 5q14.2.
Variant type: single nucleotide variant.
Coding change: c.499G>T on transcript NM_004385.5 (MANE Select); coding-DNA position 499, G replaced by T.
Protein change: p.Ala167Ser; replaces alanine 167 with serine.
Molecular consequence: missense variant.
Genome position (GRCh38, 1-based): chr5:83,493,599, G>T. VCF-style: chr5-83493599-G-T. GRCh37 (hg19) VCF-style: chr5-82789418-G-T.
Other names: c.499G>T, p.Ala167Ser (NM_001126336.3, NM_001164097.2, NM_001164098.2); short protein forms A167S.
Identifiers: ClinVar variation 3614646 (VCV003614646.2).